The following is an entry in ClinVar:

ClinVar aggregate classification (germline): Uncertain significance (1 of 4 stars; one submission).

Conditions:
BBS2-related disorder. Also called: BBS2-related condition; BBS2-related disorders. Identifiers: MedGen CN239228.

gnomAD v4.1: 4 of 1,613,938 alleles (0.00025%); highest among the groups gnomAD compares: African/African-American, 0.004%; no homozygotes.

Submission:

PreventionGenetics, part of Exact Sciences
Classification: Uncertain significance for BBS2-related condition. Last evaluated: 2026-03-25. Review status: criteria provided, single submitter. Criteria: ACMG Guidelines, 2015. Collection method: clinical testing. Allele origin: germline.
Comment: The BBS2 c.1270A>G variant is predicted to result in the amino acid substitution p.Thr424Ala. To our knowledge, this variant has not been reported in the literature or in a large population database (gnomAD), indicating this variant is rare. At this time, the clinical significance of this variant is uncertain due to the absence of conclusive functional and genetic evidence.

NM_031885.5(BBS2):c.1270A>G (p.Thr424Ala)

Gene: BBS2 (Bardet-Biedl syndrome 2; minus strand). Cytogenetic location: 16q13.
Variant type: single nucleotide variant.
Coding change: c.1270A>G on transcript NM_031885.5 (MANE Select); coding-DNA position 1270, A replaced by G.
Protein change: p.Thr424Ala; replaces threonine 424 with alanine.
Molecular consequence: missense variant. On other transcripts: non-coding transcript variant (2).
Genome position (GRCh38, 1-based): chr16:56,500,981, T>C on the plus strand (A>G on the coding strand, the complement: BBS2 is on the minus strand). VCF-style: chr16-56500981-T-C. GRCh37 (hg19) VCF-style: chr16-56534893-T-C.
Other names: c.1270A>G, p.Thr424Ala (NM_001377456.1); short protein forms T424A.
Identifiers: ClinVar variation 4985409 (VCV004985409.1).